The following is an entry in ClinVar:

NM_001042517.2(DIAPH3):c.1100G>A (p.Arg367His)

Gene: DIAPH3 (diaphanous related formin 3; minus strand). Cytogenetic location: 13q21.2.
Variant type: single nucleotide variant.
Coding change: c.1100G>A on transcript NM_001042517.2 (MANE Select); coding-DNA position 1100, G replaced by A.
Protein change: p.Arg367His; replaces arginine 367 with histidine.
Molecular consequence: missense variant.
Genome position (GRCh38, 1-based): chr13:59,992,498, C>T on the plus strand (G>A on the coding strand, the complement: DIAPH3 is on the minus strand). VCF-style: chr13-59992498-C-T. GRCh37 (hg19) VCF-style: chr13-60566632-C-T.
Other names: c.1067G>A, p.Arg356His (NM_001258366.2); c.962G>A, p.Arg321His (NM_001258367.2); c.890G>A, p.Arg297His (NM_001258368.2); c.1100G>A, p.Arg367His (NM_001258369.2); c.311G>A, p.Arg104His (NM_001258370.2, NM_030932.4); short protein forms R297H, R321H, R356H, R367H, R104H.
Identifiers: ClinVar variation 1437231 (VCV001437231.6), dbSNP rs770872230, ClinGen allele CA6996798.

ClinVar aggregate classification (germline): Uncertain significance (1 of 4 stars; one submission).

Allele frequency attached by ClinVar (database versions not stated): gnomAD 0.00001; TOPMed 0.00001; gnomAD exomes 0.00003 and 0.00004; ExAC 0.00007.
gnomAD v4.1: 46 of 1,611,784 alleles (0.0029%); highest among the groups gnomAD compares: South Asian, 0.0044%; no homozygotes.

Submission:

Labcorp Genetics (formerly Invitae), Labcorp
Classification: Uncertain significance. Last evaluated: 2024-02-24. Review status: criteria provided, single submitter. Criteria: Invitae Variant Classification Sherloc (09022015). Collection method: clinical testing. Allele origin: germline.
Comment: This sequence change replaces arginine, which is basic and polar, with histidine, which is basic and polar, at codon 367 of the DIAPH3 protein (p.Arg367His). This variant is present in population databases (rs770872230, gnomAD 0.007%). This missense change has been observed in individual(s) with deafness (PMID: 33724713). ClinVar contains an entry for this variant (Variation ID: 1437231). An algorithm developed to predict the effect of missense changes on protein structure and function (PolyPhen-2) suggests that this variant is likely to be disruptive. In summary, the available evidence is currently insufficient to determine the role of this variant in disease. Therefore, it has been classified as a Variant of Uncertain Significance.

Literature cited by the submitters: PubMed 33724713.